The following is an entry in ClinVar:

ClinVar aggregate classification (germline): Uncertain significance (1 of 4 stars; one submission).

Allele frequency attached by ClinVar (database versions not stated): ExAC 0.00001; gnomAD 0.00001.
gnomAD v4.1: 13 of 1,609,600 alleles (0.00081%); highest among the groups gnomAD compares: East Asian, 0.0045%; no homozygotes.

Submission:

Ambry Genetics
Classification: Uncertain significance. Last evaluated: 2023-10-11. Review status: criteria provided, single submitter. Criteria: Ambry Variant Classification Scheme 2023. Collection method: clinical testing. Allele origin: germline.
Comment: The p.R396C variant (also known as c.1186C>T), located in coding exon 8 of the POLQ gene, results from a C to T substitution at nucleotide position 1186. The arginine at codon 396 is replaced by cysteine, an amino acid with highly dissimilar properties. This amino acid position is conserved. In addition, this alteration is predicted to be tolerated by in silico analysis. Since supporting evidence is limited at this time, the clinical significance of this alteration remains unclear.

NM_199420.4(POLQ):c.1186C>T (p.Arg396Cys)

Gene: POLQ (DNA polymerase theta; minus strand). Cytogenetic location: 3q13.33.
Variant type: single nucleotide variant.
Coding change: c.1186C>T on transcript NM_199420.4 (MANE Select); coding-DNA position 1186, C replaced by T.
Protein change: p.Arg396Cys; replaces arginine 396 with cysteine.
Molecular consequence: missense variant.
Genome position (GRCh38, 1-based): chr3:121,522,072, G>A on the plus strand (C>T on the coding strand, the complement: POLQ is on the minus strand). VCF-style: chr3-121522072-G-A. GRCh37 (hg19) VCF-style: chr3-121240919-G-A.
Other names: short protein forms R396C.
Identifiers: ClinVar variation 1743515 (VCV001743515.2), dbSNP rs774439685, ClinGen allele CA2563612.